The following is an entry in ClinVar:

ClinVar aggregate classification (germline): Uncertain significance (1 of 4 stars; one submission).

Submission:

Dasa
Classification: Uncertain significance. Last evaluated: 2024-11-25. Review status: criteria provided, single submitter. Criteria: DASA Assertion Criteria. Collection method: clinical testing. Allele origin: germline.
Comment: NM_133433.4(NIPBL):c.7067A>C (p.Lys2356Thr) is a missense variant that results in the substitution of lysine with threonine. This variant is absent from population databases. The currently available literature and clinical evidence are not sufficient to establish a definitive association between this variant and the reported condition. Therefore, this variant is classified as a variant of uncertain significance.

NM_133433.4(NIPBL):c.7067A>C (p.Lys2356Thr)

Gene: NIPBL (NIPBL cohesin loading factor; plus strand). Cytogenetic location: 5p13.2.
Variant type: single nucleotide variant.
Coding change: c.7067A>C on transcript NM_133433.4 (MANE Select); coding-DNA position 7067, A replaced by C.
Protein change: p.Lys2356Thr; replaces lysine 2356 with threonine.
Molecular consequence: missense variant.
Genome position (GRCh38, 1-based): chr5:37,052,370, A>C. VCF-style: chr5-37052370-A-C. GRCh37 (hg19) VCF-style: chr5-37052472-A-C.
Other names: c.7067A>C, p.Lys2356Thr (NM_001438586.1, NM_015384.5); short protein forms K2356T.
Identifiers: ClinVar variation 4881083 (VCV004881083.2).